The following is an entry in ClinVar:

NM_001035.3(RYR2):c.3478G>A (p.Asp1160Asn)

Gene: RYR2 (ryanodine receptor 2; plus strand). Cytogenetic location: 1q43.
Variant type: single nucleotide variant.
Coding change: c.3478G>A on transcript NM_001035.3 (MANE Select); coding-DNA position 3478, G replaced by A.
Protein change: p.Asp1160Asn; replaces aspartic acid 1160 with asparagine.
Molecular consequence: missense variant.
Genome position (GRCh38, 1-based): chr1:237,569,199, G>A. VCF-style: chr1-237569199-G-A. GRCh37 (hg19) VCF-style: chr1-237732499-G-A.
Other names: c.3478G>A, p.Asp1160Asn (LRG_402t1); short protein forms D1160N.
Identifiers: ClinVar variation 419886 (VCV000419886.5), dbSNP rs1064794172, ClinGen allele CA16617102.

ClinVar aggregate classification (germline): Uncertain significance. Review status: criteria provided, multiple submitters, no conflicts (2 of 4 stars). 2 submissions from 2 submitters: Uncertain significance (2). Last evaluated 2019-02-16.

Conditions:
Cardiomyopathy (CMYO). Also called: Cardiomyopathies. Identifiers: Orphanet 167848, MedGen C0878544, MONDO:0004994, HP:0001638. Inheritance: Various modes of inheritance.

Allele frequency attached by ClinVar (database versions not stated): gnomAD exomes below 0.00001; TOPMed below 0.00001; gnomAD 0.00001.
gnomAD v4.1: 3 of 1,613,822 alleles (0.00019%); highest among the groups gnomAD compares: South Asian, 0.0022%; no homozygotes.

Submissions (2):

Color Diagnostics, LLC DBA Color Health
Classification: Uncertain significance for Cardiomyopathy. Last evaluated: 2019-02-16. Review status: criteria provided, single submitter. Criteria: ACMG Guidelines, 2015. Collection method: clinical testing. Allele origin: germline.
Comment: Variant of Uncertain Significance due to insufficient evidence: This missense variant replaces aspartic acid with asparagine at codon 1160 of the RYR2 protein. Computational prediction tools and conservation analyses suggest that this variant may have deleterious impact on the protein function. Computational splicing tools suggest that this variant may not impact RNA splicing. To our knowledge, functional assays have not been performed for this variant nor has this variant been reported in individuals affected with cardiovascular disorders in the literature. This variant has been identified in 1/246102 chromosomes in the general population by the Genome Aggregation Database (gnomAD). Available evidence is insufficient to determine the role of this variant in disease conclusively.

GeneDx
Classification: Uncertain significance. Last evaluated: 2017-01-27. Review status: criteria provided, single submitter. Criteria: GeneDx Variant Classification (06012015). Collection method: clinical testing. Allele origin: germline. Affected: yes.
Comment: The D1160N variant of uncertain significance has been identified in the RYR2 gene. The D1160N variant has not been published as pathogenic or been reported as benign to our knowledge. This variant is not observed in large population cohorts (Lek et al., 2016; 1000 Genomes Consortium et al., 2015; Exome Variant Server). The D1160N variant is a semi-conservative amino acid substitution, which may impact secondary protein structure as these residues differ in some properties. This substitution occurs at a position that is conserved across species, and in silico analysis predicts this variant is probably damaging to the protein structure/function. However, to our knowledge no studies have been performed to determine the functional effect of the D1160N variant. Furthermore, the D1160N variant is not located in one of the three hot-spot regions of the RYR2 gene, where the majority of pathogenic missense variants occur (Medeiros-Domingo et al., 2009).